The following is an entry in ClinVar:

NM_000016.6(ACADM):c.77A>C (p.Lys26Thr)

Gene: ACADM (acyl-CoA dehydrogenase medium chain; plus strand). Cytogenetic location: 1p31.1.
Variant type: single nucleotide variant.
Coding change: c.77A>C on transcript NM_000016.6 (MANE Select); coding-DNA position 77, A replaced by C.
Protein change: p.Lys26Thr; replaces lysine 26 with threonine.
Molecular consequence: missense variant. On other transcripts: intron variant (2).
Genome position (GRCh38, 1-based): chr1:75,728,447, A>C. VCF-style: chr1-75728447-A-C. GRCh37 (hg19) VCF-style: chr1-76194132-A-C.
Other names: c.89A>C, p.Lys30Thr (NM_001127328.3); c.77A>C, p.Lys26Thr (NM_001286043.2); c.10+3630A>C (NM_001286042.2); c.-268+3630A>C (NM_001286044.2); short protein forms K30T, K26T.
Identifiers: ClinVar variation 1363324 (VCV001363324.6), dbSNP rs2100347143, ClinGen allele CA340807233.

ClinVar aggregate classification (germline): Uncertain significance (1 of 4 stars; one submission).

Conditions:
Medium-chain acyl-coenzyme A dehydrogenase deficiency (ACADMD). Also called: MCADH DEFICIENCY; CARNITINE DEFICIENCY SECONDARY TO MEDIUM-CHAIN ACYL-CoA DEHYDROGENASE DEFICIENCY; MCADD; MCAD Deficiency; Medium chain acyl-CoA dehydrogenase deficiency; ACADM DEFICIENCY. Identifiers: Orphanet 42, MedGen C0220710, MONDO:0008721, OMIM 201450.

Allele frequency attached by ClinVar (database versions not stated): gnomAD exomes below 0.00001.
gnomAD v4.1: 1 of 1,613,642 alleles (0.000062%); highest among the groups gnomAD compares: African/African-American, 0.0013%; no homozygotes.

Submission:

Labcorp Genetics (formerly Invitae), Labcorp
Classification: Uncertain significance for Medium-chain acyl-coenzyme A dehydrogenase deficiency. Last evaluated: 2022-04-11. Review status: criteria provided, single submitter. Criteria: Invitae Variant Classification Sherloc (09022015). Collection method: clinical testing. Allele origin: germline.
Comment: Advanced modeling of protein sequence and biophysical properties (such as structural, functional, and spatial information, amino acid conservation, physicochemical variation, residue mobility, and thermodynamic stability) performed at Invitae indicates that this missense variant is expected to disrupt ACADM protein function. In summary, the available evidence is currently insufficient to determine the role of this variant in disease. Therefore, it has been classified as a Variant of Uncertain Significance. This sequence change replaces lysine, which is basic and polar, with threonine, which is neutral and polar, at codon 26 of the ACADM protein (p.Lys26Thr). This variant is not present in population databases (gnomAD no frequency). This variant has not been reported in the literature in individuals affected with ACADM-related conditions.